The following is an entry in ClinVar:

NM_001458.5(FLNC):c.4635C>T (p.Ser1545=)

Gene: FLNC (filamin C; plus strand). Cytogenetic location: 7q32.1.
Variant type: single nucleotide variant.
Coding change: c.4635C>T on transcript NM_001458.5 (MANE Select); coding-DNA position 4635, C replaced by T.
Protein change: p.Ser1545=; no amino-acid change (serine 1545 retained).
Molecular consequence: synonymous variant.
Genome position (GRCh38, 1-based): chr7:128,848,615, C>T. VCF-style: chr7-128848615-C-T. GRCh37 (hg19) VCF-style: chr7-128488669-C-T.
Other names: p.Ser1545=; c.4635C>T (NM_001458.4); c.4635C>T, p.Ser1545= (NM_001127487.2).
Identifiers: ClinVar variation 1094985 (VCV001094985.15), dbSNP rs371367894, ClinGen allele CA4475409.
Genomic context (GRCh38, chr7:128,848,615, plus strand): 5'-CTCAAGCCCCTTCAAGATCAAGGTCCTCCCAGCTCATGATGCCAGCAAGGTGCGGGCCAG[C>T]GGCCCAGGCCTCAACGCCTCTGGCATCCCTGCCAGCCTGCCTGTGGAGTTCACCATCGAC-3'
Protein context (NP_001449.3, residues 1535-1555): PAHDASKVRA[Ser1545=]GPGLNASGIP

ClinVar aggregate classification (germline): Likely benign. Review status: criteria provided, multiple submitters, no conflicts (2 of 4 stars). 5 submissions from 5 submitters: Likely benign (5). Last evaluated 2026-01-19.

Conditions:
Cardiovascular phenotype. Identifiers: MedGen CN230736.
Distal myopathy with posterior leg and anterior hand involvement. Also called: WILLIAMS DISTAL MYOPATHY. Identifiers: Orphanet 63273, MedGen C3279722, MONDO:0013550, OMIM 614065.
Hypertrophic cardiomyopathy 26. Also called: Cardiomyopathy, familial hypertrophic, 26. Identifiers: Orphanet 75249, MedGen C4310749, MONDO:0014883, OMIM 617047.
Myofibrillar myopathy 5. Also called: Filaminopathy (type); FILAMINOPATHY, AUTOSOMAL DOMINANT. Identifiers: Orphanet 171445, MedGen C1836050, MONDO:0012289, OMIM 609524.

Allele frequency attached by ClinVar (database versions not stated): gnomAD exomes 0.00001 and 0.00002; ExAC 0.00002; gnomAD 0.00002 and 0.00003; TOPMed 0.00002; ESP Exome Variant Server 0.00016.
gnomAD v4.1: 18 of 1,613,424 alleles (0.0011%); highest among the groups gnomAD compares: African/African-American, 0.004%; no homozygotes.

Submissions (5):

Labcorp Genetics (formerly Invitae), Labcorp
Classification: Likely benign for Distal myopathy with posterior leg and anterior hand involvement; Myofibrillar myopathy 5; Hypertrophic cardiomyopathy 26. Last evaluated: 2026-01-19. Review status: criteria provided, single submitter. Criteria: Invitae Variant Classification Sherloc (09022015). Collection method: clinical testing. Allele origin: germline.

Ambry Genetics
Classification: Likely benign for Cardiovascular phenotype. Last evaluated: 2025-11-03. Review status: criteria provided, single submitter. Criteria: Ambry Variant Classification Scheme 2023. Collection method: clinical testing. Allele origin: germline.

Molecular Diagnostic Laboratory for Inherited Cardiovascular Disease, Montreal Heart Institute
Classification: Likely benign. Last evaluated: 2025-04-09. Review status: criteria provided, single submitter. Criteria: ACMG Guidelines, 2015. Collection method: clinical testing. Allele origin: germline. Affected: no.
Comment: BP6;BP7

Mayo Clinic Laboratories, Mayo Clinic
Classification: Likely benign. Last evaluated: 2025-03-11. Review status: criteria provided, single submitter. Criteria: ACMG Guidelines, 2015. Collection method: clinical testing. Allele origin: germline. Observed: 1 variant allele.
Comment: BP4, BP7

Blueprint Genetics
Classification: Likely benign. Last evaluated: 2024-11-26. Review status: criteria provided, single submitter. Criteria: ACMG Guidelines, 2015. Collection method: clinical testing. Allele origin: germline.